The following is an entry in ClinVar:

NM_001271.4(CHD2):c.5371C>T (p.Pro1791Ser)

Gene: CHD2 (chromodomain helicase DNA binding protein 2; plus strand). Cytogenetic location: 15q26.1.
Variant type: single nucleotide variant.
Coding change: c.5371C>T on transcript NM_001271.4 (MANE Select); coding-DNA position 5371, C replaced by T.
Protein change: p.Pro1791Ser; replaces proline 1791 with serine.
Molecular consequence: missense variant.
Genome position (GRCh38, 1-based): chr15:93,024,589, C>T. VCF-style: chr15-93024589-C-T. GRCh37 (hg19) VCF-style: chr15-93567819-C-T.
Other names: short protein forms P1791S.
Identifiers: ClinVar variation 4802454 (VCV004802454.1).
Genomic context (GRCh38, chr15:93,024,589, plus strand): 5'-GGGGAATATAAACAGCCTCTACCCCCATTGCACCCTGCAGTCTCAGATCCTCGCTCACCC[C>T]CTTCTCAGAAATCTCCTCACGATTCCAAGTCACCCCTGGATCATAGGTCTCCTTTGGAGA-3'
Protein context (NP_001262.3, residues 1781-1801): HPAVSDPRSP[Pro1791Ser]SQKSPHDSKS

ClinVar aggregate classification (germline): Uncertain significance (1 of 4 stars; one submission).

Conditions:
Developmental and epileptic encephalopathy 94 (DEE94). Also called: Epileptic encephalopathy, childhood-onset; CHD2-Related Neurodevelopmental Disorders. Identifiers: Orphanet 1942, Orphanet 2382, MedGen C3809278, MONDO:0014150, OMIM 615369.

gnomAD v4.1: 2 of 1,614,194 alleles (0.00012%); highest among the groups gnomAD compares: East Asian, 0.0022%; no homozygotes.

Submission:

Labcorp Genetics (formerly Invitae), Labcorp
Classification: Uncertain significance for Developmental and epileptic encephalopathy 94. Last evaluated: 2025-08-26. Review status: criteria provided, single submitter. Criteria: Invitae Variant Classification Sherloc (09022015). Collection method: clinical testing. Allele origin: germline.
Comment: This sequence change replaces proline, which is neutral and non-polar, with serine, which is neutral and polar, at codon 1791 of the CHD2 protein (p.Pro1791Ser). This variant is not present in population databases (gnomAD no frequency). This variant has not been reported in the literature in individuals affected with CHD2-related conditions. Invitae Evidence Modeling of protein sequence and biophysical properties (such as structural, functional, and spatial information, amino acid conservation, physicochemical variation, residue mobility, and thermodynamic stability) indicates that this missense variant is not expected to disrupt CHD2 protein function with a negative predictive value of 95%. In summary, the available evidence is currently insufficient to determine the role of this variant in disease. Therefore, it has been classified as a Variant of Uncertain Significance.